The following is an entry in ClinVar:

ClinVar aggregate classification (germline): Uncertain significance (1 of 4 stars; one submission).

Conditions:
Compton-North congenital myopathy (CMYO12). Identifiers: Orphanet 210163, MedGen C2675527, MONDO:0012929, OMIM 612540.

Submission:

Labcorp Genetics (formerly Invitae), Labcorp
Classification: Uncertain significance for Compton-North congenital myopathy. Last evaluated: 2023-08-17. Review status: criteria provided, single submitter. Criteria: Invitae Variant Classification Sherloc (09022015). Collection method: clinical testing. Allele origin: germline.
Comment: In summary, the available evidence is currently insufficient to determine the role of this variant in disease. Therefore, it has been classified as a Variant of Uncertain Significance. Advanced modeling of protein sequence and biophysical properties (such as structural, functional, and spatial information, amino acid conservation, physicochemical variation, residue mobility, and thermodynamic stability) performed at Invitae indicates that this missense variant is not expected to disrupt CNTN1 protein function. ClinVar contains an entry for this variant (Variation ID: 1713620). This variant has not been reported in the literature in individuals affected with CNTN1-related conditions. This variant is not present in population databases (gnomAD no frequency). This sequence change replaces serine, which is neutral and polar, with arginine, which is basic and polar, at codon 221 of the CNTN1 protein (p.Ser221Arg).

NM_001843.4(CNTN1):c.663C>G (p.Ser221Arg)

Gene: CNTN1 (contactin 1; plus strand). Cytogenetic location: 12q12.
Variant type: single nucleotide variant.
Coding change: c.663C>G on transcript NM_001843.4 (MANE Select); coding-DNA position 663, C replaced by G.
Protein change: p.Ser221Arg; replaces serine 221 with arginine.
Molecular consequence: missense variant.
Genome position (GRCh38, 1-based): chr12:40,929,962, C>G. VCF-style: chr12-40929962-C-G. GRCh37 (hg19) VCF-style: chr12-41323764-C-G.
Other names: c.663C>G, p.Ser221Arg (NM_001256063.2, NM_001256064.2); c.630C>G, p.Ser210Arg (NM_175038.2); short protein forms S210R, S221R.
Identifiers: ClinVar variation 1713620 (VCV001713620.6), dbSNP rs1437685014, ClinGen allele CA384422817.